The following is an entry in ClinVar:

NM_004863.4(SPTLC2):c.132+4C>A

Gene: SPTLC2 (serine palmitoyltransferase long chain base subunit 2; minus strand). Cytogenetic location: 14q24.3.
Variant type: single nucleotide variant.
Coding change: c.132+4C>A on transcript NM_004863.4 (MANE Select); 4 bases into the intron after coding-DNA position 132, C replaced by A.
Molecular consequence: intron variant.
Genome position (GRCh38, 1-based): chr14:77,616,444, G>T on the plus strand (C>A on the coding strand, the complement: SPTLC2 is on the minus strand). VCF-style: chr14-77616444-G-T. GRCh37 (hg19) VCF-style: chr14-78082787-G-T.
Identifiers: ClinVar variation 3671695 (VCV003671695.2).

ClinVar aggregate classification (germline): Uncertain significance (1 of 4 stars; one submission).

Conditions:
Neuropathy, hereditary sensory and autonomic, type 1C. Also called: HSAN IC; HSN IC. Identifiers: Orphanet 36386, MedGen C3150896, MONDO:0013337, OMIM 613640.

Submission:

Labcorp Genetics (formerly Invitae), Labcorp
Classification: Uncertain significance for Neuropathy, hereditary sensory and autonomic, type 1C. Last evaluated: 2024-05-23. Review status: criteria provided, single submitter. Criteria: Invitae Variant Classification Sherloc (09022015). Collection method: clinical testing. Allele origin: germline.
Comment: This sequence change falls in intron 1 of the SPTLC2 gene. It does not directly change the encoded amino acid sequence of the SPTLC2 protein. It affects a nucleotide within the consensus splice site. This variant is not present in population databases (gnomAD no frequency). This variant has not been reported in the literature in individuals affected with SPTLC2-related conditions. Variants that disrupt the consensus splice site are a relatively common cause of aberrant splicing (PMID: 17576681, 9536098). Algorithms developed to predict the effect of sequence changes on RNA splicing suggest that this variant is not likely to affect RNA splicing. In summary, the available evidence is currently insufficient to determine the role of this variant in disease. Therefore, it has been classified as a Variant of Uncertain Significance.

Literature cited by the submitters: PubMed 17576681; PubMed 9536098.